The following is an entry in ClinVar:

ClinVar aggregate classification (germline): Conflicting classifications of pathogenicity. Review status: criteria provided, conflicting classifications (1 of 4 stars). 9 submissions from 9 submitters: Uncertain significance (8); Likely benign (1). Last evaluated 2025-11-25.

Conditions:
TTN-related disorder. Also called: TTN-related condition; TTN-related disease; TTN-related disorders.
Dilated cardiomyopathy 1G (CMD1G). Identifiers: Orphanet 154, MedGen C1858763, MONDO:0011400, OMIM 604145.
Autosomal recessive limb-girdle muscular dystrophy type 2J (LGMDR10). Also called: Limb-girdle muscular dystrophy, type 2J; MUSCULAR DYSTROPHY, LIMB-GIRDLE, AUTOSOMAL RECESSIVE 10. Identifiers: Orphanet 140922, MedGen C1837342, MONDO:0012127, OMIM 608807.

Allele frequency attached by ClinVar (database versions not stated): gnomAD 0.00003; gnomAD exomes 0.00003; TOPMed 0.00003; ExAC 0.00004; ESP Exome Variant Server 0.00008; 1000 Genomes Project 30x 0.00016; 1000 Genomes Project 0.00020.
gnomAD v4.1: 51 of 1,614,148 alleles (0.0032%); highest among the groups gnomAD compares: South Asian, 0.0044%; no homozygotes.

Submissions (9):

PreventionGenetics, part of Exact Sciences
Classification: Uncertain significance for TTN-related condition. Last evaluated: 2025-11-25. Review status: criteria provided, single submitter. Criteria: ACMG Guidelines, 2015. Collection method: clinical testing. Allele origin: germline.
Comment: The TTN c.2605A>T variant is predicted to result in the amino acid substitution p.Thr869Ser. This variant has been reported in an individual with left ventricular noncompaction cardiomyopathy (Table S2, Mazzarotto et al. 2021. PubMed ID: 33500567). This variant is reported in 0.0065% of alleles in individuals of South Asian descent in gnomAD. At this time, the clinical significance of this variant is uncertain due to the absence of conclusive functional and genetic evidence.

ARUP Laboratories, Molecular Genetics and Genomics, ARUP Laboratories
Classification: Uncertain significance. Last evaluated: 2024-06-12. Review status: criteria provided, single submitter. Criteria: ARUP Molecular Germline Variant Investigation Process 2024. Collection method: clinical testing. Allele origin: germline.
Comment: The TTN c.2605A>T; p.Thr869Ser variant (rs370962244; ClinVar Variation ID: 46824) is rare in the general population (<0.2% allele frequency in the Genome Aggregation Database). This variant is reported in the literature in an individual with left ventricular noncompaction (Mazzarotto 2021). The clinical relevance of rare missense variants in this gene, which are identified on average once per individual sequenced in affected populations (Herman 2012), is not well understood. Yet, evidence suggests that the vast majority of such missense variants do not contribute to the clinical outcome of DCM (Begay 2015). Thus, the clinical significance of the p.Thr869Ser variant cannot be determined with certainty. References: Begay RL et al. Role of Titin Missense Variants in Dilated Cardiomyopathy. J Am Heart Assoc. 2015 Nov 13;4(11). PMID: 26567375. Herman DS et al. Truncations of titin causing dilated cardiomyopathy. N Engl J Med. 2012 Feb 16;366(7):619-28. PMID: 22335739. Linke WA and Hamdani N. Gigantic business: titin properties and function through thick and thin. Circ Res 2014; 114(6): 1052-1068. PMID: 24625729. Mazzarotto F et al. Systematic large-scale assessment of the genetic architecture of left ventricular noncompaction reveals diverse etiologies. Genet Med. 2021 May;23(5):856-864. PMID: 33500567.

Blueprint Genetics
Classification: Uncertain significance. Last evaluated: 2024-03-08. Review status: criteria provided, single submitter. Criteria: ACMG Guidelines, 2015. Collection method: clinical testing. Allele origin: germline.

Revvity Omics, Revvity
Classification: Uncertain significance. Last evaluated: 2023-02-15. Review status: criteria provided, single submitter. Criteria: ACMG Guidelines, 2015. Collection method: clinical testing. Allele origin: germline.

CeGaT Center for Human Genetics Tuebingen
Classification: Uncertain significance. Last evaluated: 2019-03-01. Review status: criteria provided, single submitter. Criteria: CeGaT Center For Human Genetics Tuebingen Variant Classification Criteria Version 2. Collection method: clinical testing. Allele origin: germline. Affected: yes. Observed: 1 variant allele.

GeneDx
Classification: Likely benign. Last evaluated: 2018-04-05. Review status: criteria provided, single submitter. Criteria: GeneDx Variant Classification Process June 2021. Collection method: clinical testing. Allele origin: germline. Affected: yes.

Labcorp Genetics (formerly Invitae), Labcorp
Classification: Uncertain significance for Dilated cardiomyopathy 1G; Autosomal recessive limb-girdle muscular dystrophy type 2J. Last evaluated: 2017-12-20. Review status: criteria provided, single submitter. Criteria: Invitae Variant Classification Sherloc (09022015). Collection method: clinical testing. Allele origin: germline.

Eurofins Ntd Llc (ga)
Classification: Uncertain significance. Last evaluated: 2015-07-28. Review status: criteria provided, single submitter. Criteria: EGL Classification Definitions 2015. Collection method: clinical testing. Allele origin: germline. Observed: 1 variant allele, 1 heterozygote.

Laboratory for Molecular Medicine, Mass General Brigham Personalized Medicine
Classification: Uncertain significance. Last evaluated: 2015-02-20. Review status: criteria provided, single submitter. Criteria: LMM Criteria. Collection method: clinical testing. Allele origin: germline. Observed: 2 variant alleles.
Comment: This variant has been also been identified in 4/6 6712 European chromosomes by the Exome Aggregation Consortium (ExAC .; dbSNP rs370962244). Threonine (Thr) at position 869 is not conserved in mammals or evolutionarily distant species, raising the possibility that a change at this position may be tolerated. Additional computational predic tion tools do not provide strong support for or against an impact to the protein . In summary, the clinical significance of the p.Thr869Ser variant is uncertain.

NM_001267550.2(TTN):c.2605A>T (p.Thr869Ser)

Gene: TTN (titin; minus strand). Cytogenetic location: 2q31.2.
Variant type: single nucleotide variant.
Coding change: c.2605A>T on transcript NM_001267550.2 (MANE Select); coding-DNA position 2605, A replaced by T.
Protein change: p.Thr869Ser; replaces threonine 869 with serine.
Molecular consequence: missense variant.
Genome position (GRCh38, 1-based): chr2:178,784,240, T>A on the plus strand (A>T on the coding strand, the complement: TTN is on the minus strand). VCF-style: chr2-178784240-T-A. GRCh37 (hg19) VCF-style: chr2-179648967-T-A.
Other names: p.T869S:ACT>TCT; c.2605A>T, p.Thr869Ser (NM_001256850.1, NM_133378.4, NM_133379.5); c.2467A>T, p.Thr823Ser (NM_003319.4, NM_133432.3, NM_133437.4); short protein forms T869S, T823S.
Identifiers: ClinVar variation 46824 (VCV000046824.59), dbSNP rs370962244, ClinGen allele CA139287.